The following is an entry in ClinVar:

NM_001110533.2(CIMAP2):c.36C>G (p.Gly12=)

Gene: CIMAP2 (ciliary microtubule associated protein 2; plus strand). Cytogenetic location: 1p32.3.
Variant type: single nucleotide variant.
Coding change: c.36C>G on transcript NM_001110533.2 (MANE Select); coding-DNA position 36, C replaced by G.
Protein change: p.Gly12=; no amino-acid change (glycine 12 retained).
Molecular consequence: synonymous variant.
Genome position (GRCh38, 1-based): chr1:54,806,152, C>G. VCF-style: chr1-54806152-C-G. GRCh37 (hg19) VCF-style: chr1-55271825-C-G.
Other names: c.36C>G, p.Gly12= (NM_152607.3).
Identifiers: ClinVar variation 2638838 (VCV002638838.24), dbSNP rs149086830, ClinGen allele CA870018.

ClinVar aggregate classification (germline): Likely benign (1 of 4 stars; one submission).

Allele frequency attached by ClinVar (database versions not stated): 1000 Genomes Project 0.00120; 1000 Genomes Project 30x 0.00125; ESP Exome Variant Server 0.00401; gnomAD 0.00406; TOPMed 0.00438; gnomAD exomes 0.00573.
gnomAD v4.1: 8,569 of 1,549,952 alleles (0.55%); highest among the groups gnomAD compares: Non-Finnish European, 0.68%; 25 homozygotes.

Submission:

CeGaT Center for Human Genetics Tuebingen
Classification: Likely benign. Last evaluated: 2022-06-01. Review status: criteria provided, single submitter. Criteria: CeGaT Center For Human Genetics Tuebingen Variant Classification Criteria Version 2. Collection method: clinical testing. Allele origin: germline. Affected: yes. Observed: 1 variant allele.
Comment: CIMAP2: BP4, BP7